The following is an entry in ClinVar:

NM_201596.3(CACNB2):c.743C>G (p.Pro248Arg)

Gene: CACNB2 (calcium voltage-gated channel auxiliary subunit beta 2; plus strand). Cytogenetic location: 10p12.31.
Variant type: single nucleotide variant.
Coding change: c.743C>G on transcript NM_201596.3 (MANE Select); coding-DNA position 743, C replaced by G.
Protein change: p.Pro248Arg; replaces proline 248 with arginine.
Molecular consequence: missense variant. On other transcripts: intron variant (6).
Genome position (GRCh38, 1-based): chr10:18,514,308, C>G. VCF-style: chr10-18514308-C-G. GRCh37 (hg19) VCF-style: chr10-18803237-C-G.
Other names: c.578C>G, p.Pro193Arg (NM_000724.4); c.599C>G, p.Pro200Arg (NM_201570.3); c.659C>G, p.Pro220Arg (NM_201571.4); c.581C>G, p.Pro194Arg (NM_201590.3); c.587-203C>G (NM_001167945.2); c.587-672C>G (NM_201572.4); c.671-203C>G (NM_201593.3); c.671-672C>G (NM_201597.3); and 2 more; short protein forms P194R, P200R, P220R, P248R, P193R.
Identifiers: ClinVar variation 2764218 (VCV002764218.3), dbSNP rs2494510755, ClinGen allele CA376060656.

ClinVar aggregate classification (germline): Uncertain significance (1 of 4 stars; one submission).

Conditions:
Brugada syndrome 4 (BRGDA4). Identifiers: Orphanet 130, MedGen C2678477, MONDO:0012743, OMIM 611876.

Submission:

Labcorp Genetics (formerly Invitae), Labcorp
Classification: Uncertain significance for Brugada syndrome 4. Last evaluated: 2023-09-29. Review status: criteria provided, single submitter. Criteria: Invitae Variant Classification Sherloc (09022015). Collection method: clinical testing. Allele origin: germline.
Comment: This sequence change replaces proline, which is neutral and non-polar, with arginine, which is basic and polar, at codon 194 of the CACNB2 protein (p.Pro194Arg). This variant is not present in population databases (gnomAD no frequency). This variant has not been reported in the literature in individuals affected with CACNB2-related conditions. An algorithm developed to predict the effect of missense changes on protein structure and function (PolyPhen-2) suggests that this variant is likely to be tolerated. In summary, the available evidence is currently insufficient to determine the role of this variant in disease. Therefore, it has been classified as a Variant of Uncertain Significance.